The following is an entry in ClinVar:

NM_001195263.2(PDZD7):c.1501C>T (p.Pro501Ser)

Gene: PDZD7 (PDZ domain containing 7; minus strand). Cytogenetic location: 10q24.31.
Variant type: single nucleotide variant.
Coding change: c.1501C>T on transcript NM_001195263.2 (MANE Select); coding-DNA position 1501, C replaced by T.
Protein change: p.Pro501Ser; replaces proline 501 with serine.
Molecular consequence: missense variant.
Genome position (GRCh38, 1-based): chr10:101,018,120, G>A on the plus strand (C>T on the coding strand, the complement: PDZD7 is on the minus strand). VCF-style: chr10-101018120-G-A. GRCh37 (hg19) VCF-style: chr10-102777877-G-A.
Other names: c.1529C>T, p.Pro510Leu (NM_001351044.2); c.1501C>T, p.Pro501Ser (NM_024895.5); c.1501C>T (NM_001195263.1); short protein forms P510L, P501S.
Identifiers: ClinVar variation 1407971 (VCV001407971.9), dbSNP rs1175130040, ClinGen allele CA378227922.

ClinVar aggregate classification (germline): Uncertain significance. Review status: criteria provided, multiple submitters, no conflicts (2 of 4 stars). 2 submissions from 2 submitters: Uncertain significance (2). Last evaluated 2025-11-12.

Conditions:
PDZD7-related disorder. Also called: PDZD7-related condition; PDZD7-related disorders.

Allele frequency attached by ClinVar (database versions not stated): gnomAD exomes below 0.00001; TOPMed 0.00001.

Submissions (2):

PreventionGenetics, part of Exact Sciences
Classification: Uncertain significance for PDZD7-related condition. Last evaluated: 2025-11-12. Review status: criteria provided, single submitter. Criteria: ACMG Guidelines, 2015. Collection method: clinical testing. Allele origin: germline.
Comment: The PDZD7 c.1501C>T variant is predicted to result in the amino acid substitution p.Pro501Ser. To our knowledge, this variant has not been reported in the literature. This variant is reported in 0.0029% of alleles in individuals of Latino descent in gnomAD. At this time, the clinical significance of this variant is uncertain due to the absence of conclusive functional and genetic evidence.

Labcorp Genetics (formerly Invitae), Labcorp
Classification: Uncertain significance. Last evaluated: 2021-03-10. Review status: criteria provided, single submitter. Criteria: Invitae Variant Classification Sherloc (09022015). Collection method: clinical testing. Allele origin: germline.
Comment: In summary, the available evidence is currently insufficient to determine the role of this variant in disease. Therefore, it has been classified as a Variant of Uncertain Significance. Algorithms developed to predict the effect of missense changes on protein structure and function output the following: SIFT: "Deleterious"; PolyPhen-2: "Not Available"; Align-GVGD: "Class C0". The serine amino acid residue is found in multiple mammalian species, suggesting that this missense change does not adversely affect protein function. These predictions have not been confirmed by published functional studies and their clinical significance is uncertain. This variant has not been reported in the literature in individuals with PDZD7-related conditions. This variant is not present in population databases (ExAC no frequency). This sequence change replaces proline with serine at codon 501 of the PDZD7 protein (p.Pro501Ser). The proline residue is weakly conserved and there is a moderate physicochemical difference between proline and serine.